The following is an entry in ClinVar:

ClinVar aggregate classification (germline): Pathogenic (1 of 4 stars; one submission).

Submission:

GeneDx
Classification: Pathogenic. Last evaluated: 2023-06-14. Review status: criteria provided, single submitter. Criteria: GeneDx Variant Classification Process June 2021. Collection method: clinical testing. Allele origin: germline. Affected: yes.
Comment: Reported as a heterozygous variant in a patient with progressive early onset myopathy, multiple joint contractures, and distal hypermobility (Vill et al., 2017); Canonical splice site variant predicted to result in an in-frame loss of the adjacent exon in a gene for which loss of function is a known mechanism of disease; Deletions involving coding exons of this gene are a known mechanism of disease (HGMD); Not observed at significant frequency in large population cohorts (gnomAD); This variant is associated with the following publications: (PMID: 29172004)

NM_004369.4(COL6A3):c.6282+2T>G

Gene: COL6A3 (collagen type VI alpha 3 chain; minus strand). Cytogenetic location: 2q37.3.
Variant type: single nucleotide variant.
Coding change: c.6282+2T>G on transcript NM_004369.4 (MANE Select); the canonical splice donor site of the intron after coding-DNA position 6282, T replaced by G.
Molecular consequence: splice donor variant.
Genome position (GRCh38, 1-based): chr2:237,360,086, A>C on the plus strand (T>G on the coding strand, the complement: COL6A3 is on the minus strand). VCF-style: chr2-237360086-A-C. GRCh37 (hg19) VCF-style: chr2-238268729-A-C.
Other names: c.4461+2T>G (NM_057166.5); c.5664+2T>G (NM_057167.4).
Identifiers: ClinVar variation 3340639 (VCV003340639.1).
Genomic context (GRCh38, chr2:237,360,086, plus strand): 5'-TGGAGAAACTGCGAGTCACCTGACCCCTCCCCACGCTAGCAACCCCATCACCCACGCCTC[A>C]CCTTTACTCCTCTCTGGCCCGGGCAGCCCTGGAAACCTTGAGTGCCGTTCACACCAGGCG-3'